The following is an entry in ClinVar:

NM_014956.5(CEP164):c.100C>T (p.Arg34Trp)

Gene: CEP164 (centrosomal protein 164; plus strand). Cytogenetic location: 11q23.3.
Variant type: single nucleotide variant.
Coding change: c.100C>T on transcript NM_014956.5 (MANE Select); coding-DNA position 100, C replaced by T.
Protein change: p.Arg34Trp; replaces arginine 34 with tryptophan.
Molecular consequence: missense variant.
Genome position (GRCh38, 1-based): chr11:117,344,183, C>T. VCF-style: chr11-117344183-C-T. GRCh37 (hg19) VCF-style: chr11-117214899-C-T.
Other names: c.100C>T, p.Arg34Trp (NM_001271933.2); c.100C>T (NM_014956.4); short protein forms R34W.
Identifiers: ClinVar variation 1004716 (VCV001004716.8), dbSNP rs775902514, ClinGen allele CA6294327.

ClinVar aggregate classification (germline): Uncertain significance. Review status: criteria provided, multiple submitters, no conflicts (2 of 4 stars). 2 submissions from 2 submitters: Uncertain significance (2). Last evaluated 2026-02-18.

Conditions:
CEP164-related disorder. Also called: CEP164-related condition.
Nephronophthisis 15 (NPHP15). Identifiers: Orphanet 3156, MedGen C3541853, MONDO:0013917, OMIM 614845.

Allele frequency attached by ClinVar (database versions not stated): gnomAD 0.00002 and 0.00003; gnomAD exomes 0.00003; TOPMed 0.00003; ExAC 0.00006.
gnomAD v4.1: 25 of 1,611,452 alleles (0.0016%); highest among the groups gnomAD compares: Admixed American, 0.015%; no homozygotes.

Submissions (2):

PreventionGenetics, part of Exact Sciences
Classification: Uncertain significance for CEP164-related condition. Last evaluated: 2026-02-18. Review status: criteria provided, single submitter. Criteria: ACMG Guidelines, 2015. Collection method: clinical testing. Allele origin: germline.
Comment: The CEP164 c.100C>T variant is predicted to result in the amino acid substitution p.Arg34Trp. To our knowledge, this variant has not been reported in the literature. This variant is reported in 0.021% of alleles in individuals of Latino descent in gnomAD. At this time, the clinical significance of this variant is uncertain due to the absence of conclusive functional and genetic evidence.

Labcorp Genetics (formerly Invitae), Labcorp
Classification: Uncertain significance for Nephronophthisis 15. Last evaluated: 2025-09-15. Review status: criteria provided, single submitter. Criteria: Invitae Variant Classification Sherloc (09022015). Collection method: clinical testing. Allele origin: germline.
Comment: This sequence change replaces arginine, which is basic and polar, with tryptophan, which is neutral and slightly polar, at codon 34 of the CEP164 protein (p.Arg34Trp). This variant is present in population databases (rs775902514, gnomAD 0.02%). This variant has not been reported in the literature in individuals affected with CEP164-related conditions. ClinVar contains an entry for this variant (Variation ID: 1004716). An algorithm developed to predict the effect of missense changes on protein structure and function (PolyPhen-2) suggests that this variant is likely to be disruptive. In summary, the available evidence is currently insufficient to determine the role of this variant in disease. Therefore, it has been classified as a Variant of Uncertain Significance.